The following is an entry in ClinVar:

NM_001267550.2(TTN):c.102079A>G (p.Ile34027Val)

Genes: TTN (titin; minus strand), TTN-AS1 (TTN antisense RNA 1; plus strand). Cytogenetic location: 2q31.2.
Variant type: single nucleotide variant.
Coding change: c.102079A>G on transcript NM_001267550.2 (MANE Select); coding-DNA position 102079, A replaced by G.
Protein change: p.Ile34027Val; replaces isoleucine 34027 with valine.
Molecular consequence: missense variant.
Genome position (GRCh38, 1-based): chr2:178,534,536, T>C on the plus strand (A>G on the coding strand, the complement: TTN is on the minus strand). VCF-style: chr2-178534536-T-C. GRCh37 (hg19) VCF-style: chr2-179399263-T-C.
Other names: c.97156A>G, p.Ile32386Val (NM_001256850.1); c.74884A>G, p.Ile24962Val (NM_003319.4); c.94375A>G, p.Ile31459Val (NM_133378.4); c.75259A>G, p.Ile25087Val (NM_133432.3); c.75460A>G, p.Ile25154Val (NM_133437.4); short protein forms I24962V, I31459V, I25087V, I25154V, I32386V, I34027V.
Identifiers: ClinVar variation 4785459 (VCV004785459.1).
Genomic context (GRCh38, chr2:178,534,536, plus strand): 5'-TGGCTTCAATGCTAATCTCTTTGAATGCTTCCTCATCGAAAGTATATTCAGCATTCATGA[T>C]ATTCTCAATGATCTGTTGGTTAGTTTCAGCCAGGAATGGGTTGATACCACTCAATAGCAC-3'
Protein context (NP_001254479.2, residues 34017-34037): AETNQQIIEN[Ile34027Val]MNAEYTFDEE

ClinVar aggregate classification (germline): Uncertain significance (1 of 4 stars; one submission).

Conditions:
Autosomal recessive limb-girdle muscular dystrophy type 2J (LGMDR10). Also called: Limb-girdle muscular dystrophy, type 2J; MUSCULAR DYSTROPHY, LIMB-GIRDLE, AUTOSOMAL RECESSIVE 10. Identifiers: Orphanet 140922, MedGen C1837342, MONDO:0012127, OMIM 608807.
Dilated cardiomyopathy 1G (CMD1G). Identifiers: Orphanet 154, MedGen C1858763, MONDO:0011400, OMIM 604145.

gnomAD v4.1: 1 of 1,613,774 alleles (0.000062%); highest among the groups gnomAD compares: Non-Finnish European, 0.000085%; no homozygotes.

Submission:

Labcorp Genetics (formerly Invitae), Labcorp
Classification: Uncertain significance for Dilated cardiomyopathy 1G; Autosomal recessive limb-girdle muscular dystrophy type 2J. Last evaluated: 2025-07-02. Review status: criteria provided, single submitter. Criteria: Invitae Variant Classification Sherloc (09022015). Collection method: clinical testing. Allele origin: germline.
Comment: This sequence change replaces isoleucine, which is neutral and non-polar, with valine, which is neutral and non-polar, at codon 34027 of the TTN protein (p.Ile34027Val). This variant is not present in population databases (gnomAD no frequency). This variant has not been reported in the literature in individuals affected with TTN-related conditions. Experimental studies and prediction algorithms are not available or were not evaluated, and the functional significance of this variant is currently unknown. In summary, the available evidence is currently insufficient to determine the role of this variant in disease. Therefore, it has been classified as a Variant of Uncertain Significance.